The following is an entry in ClinVar:

NM_015267.4(CUX2):c.4204T>G (p.Ser1402Ala)

Gene: CUX2 (cut like homeobox 2; plus strand). Cytogenetic location: 12q24.12.
Variant type: single nucleotide variant.
Coding change: c.4204T>G on transcript NM_015267.4 (MANE Select); coding-DNA position 4204, T replaced by G.
Protein change: p.Ser1402Ala; replaces serine 1402 with alanine.
Molecular consequence: missense variant.
Genome position (GRCh38, 1-based): chr12:111,348,068, T>G. VCF-style: chr12-111348068-T-G. GRCh37 (hg19) VCF-style: chr12-111785872-T-G.
Other names: c.4018T>G, p.Ser1340Ala (NM_001370598.1); short protein forms S1340A, S1402A.
Identifiers: ClinVar variation 3772469 (VCV003772469.13).

ClinVar aggregate classification (germline): Uncertain significance (1 of 4 stars; one submission).

Submission:

CeGaT Center for Human Genetics Tuebingen
Classification: Uncertain significance. Last evaluated: 2025-02-01. Review status: criteria provided, single submitter. Criteria: CeGaT Center For Human Genetics Tuebingen Variant Classification Criteria Version 2. Collection method: clinical testing. Allele origin: germline. Affected: yes. Observed: 1 variant allele.
Comment: CUX2: PM2, BP4